The following is an entry in ClinVar:

ClinVar aggregate classification (germline): Uncertain significance. Review status: criteria provided, multiple submitters, no conflicts (2 of 4 stars). 2 submissions from 2 submitters: Uncertain significance (2). Last evaluated 2025-03-09.

Conditions:
Cardiovascular phenotype. Identifiers: MedGen CN230736.

Allele frequency attached by ClinVar (database versions not stated): ExAC 0.00001; gnomAD 0.00001; gnomAD exomes below 0.00001; TOPMed 0.00001; ESP Exome Variant Server 0.00008.
gnomAD v4.1: 4 of 1,613,934 alleles (0.00025%); highest among the groups gnomAD compares: Non-Finnish European, 0.00034%; no homozygotes.

Submissions (2):

Revvity Omics, Revvity
Classification: Uncertain significance. Last evaluated: 2025-03-09. Review status: criteria provided, single submitter. Criteria: ACMG Guidelines, 2015. Collection method: clinical testing. Allele origin: germline.

Ambry Genetics
Classification: Uncertain significance for Cardiovascular phenotype. Last evaluated: 2023-11-06. Review status: criteria provided, single submitter. Criteria: Ambry Variant Classification Scheme 2023. Collection method: clinical testing. Allele origin: germline.
Comment: The p.R795W variant (also known as c.2383C>T), located in coding exon 14 of the EPHB4 gene, results from a C to T substitution at nucleotide position 2383. The arginine at codon 795 is replaced by tryptophan, an amino acid with dissimilar properties. This amino acid position is conserved. In addition, this alteration is predicted to be deleterious by in silico analysis. Since supporting evidence is limited at this time, the clinical significance of this alteration remains unclear.

NM_004444.5(EPHB4):c.2383C>T (p.Arg795Trp)

Genes: EPHB4 (EPH receptor B4; minus strand), LOC126860124 (CDK7 strongly-dependent group 2 enhancer GRCh37_chr7:100403701-100404900; plus strand). Cytogenetic location: 7q22.1.
Variant type: single nucleotide variant.
Coding change: c.2383C>T on transcript NM_004444.5 (MANE Select); coding-DNA position 2383, C replaced by T.
Protein change: p.Arg795Trp; replaces arginine 795 with tryptophan.
Molecular consequence: missense variant.
Genome position (GRCh38, 1-based): chr7:100,806,521, G>A on the plus strand (C>T on the coding strand, the complement: EPHB4 is on the minus strand). VCF-style: chr7-100806521-G-A. GRCh37 (hg19) VCF-style: chr7-100404143-G-A.
Other names: short protein forms R795W.
Identifiers: ClinVar variation 3224278 (VCV003224278.2), dbSNP rs375461456, ClinGen allele CA4392657.